The following is an entry in ClinVar:

ClinVar aggregate classification (germline): Likely pathogenic (1 of 4 stars; one submission).

Conditions:
Ellis-van Creveld syndrome (EVC). Also called: EVC-Related Ellis-van Creveld Syndrome; EVC2-Related Ellis-van Creveld Syndrome; MESOECTODERMAL DYSPLASIA; Chondroectodermal dysplasia. Identifiers: Orphanet 289, MedGen C0013903, MONDO:0009162, OMIM 225500.

Submission:

Myriad Genetics, Inc.
Classification: Likely pathogenic for Ellis-van Creveld syndrome. Last evaluated: 2022-01-22. Review status: criteria provided, single submitter. Criteria: Myriad Women's Health Autosomal Recessive and X-Linked Classification Criteria (2021). Collection method: clinical testing. Allele origin: unknown.
Comment: NM_153717.2(EVC):c.1572delC(F525Sfs*22) is expected to be pathogenic in the context of EVC-related Ellis-van Creveld syndrome. This variant is predicted to lead to an abnormal or absent protein product due to the creation of a premature termination codon in EVC, a gene where loss-of-function variants are known to be pathogenic. Please note: this variant was assessed in the context of healthy population screening.

NM_153717.3(EVC):c.1572del (p.Phe525fs)

Gene: EVC (EvC ciliary complex subunit 1; plus strand). Cytogenetic location: 4p16.2.
Variant type: Deletion.
Coding change: c.1572del on transcript NM_153717.3 (MANE Select); coding-DNA position 1572, one base deleted (C; older notation c.1572delC).
Protein change: p.Phe525fs; shifts the reading frame from phenylalanine 525.
Molecular consequence: frameshift variant.
Genome position (GRCh38, 1-based): chr4:5,783,560, C deleted. VCF-style (leftmost placement, unchanged base first): chr4-5783559-AC-A. GRCh37 (hg19) VCF-style: chr4-5785286-AC-A.
Other names: c.1572del, p.Phe525fs (NM_001306090.2); short protein forms F525fs.
Identifiers: ClinVar variation 1723991 (VCV001723991.2), dbSNP rs2476465516, ClinGen allele CA2580070801.